The following is an entry in ClinVar:

ClinVar aggregate classification (germline): Pathogenic (1 of 4 stars; one submission).

Submission:

GeneDx
Classification: Pathogenic. Last evaluated: 2023-01-10. Review status: criteria provided, single submitter. Criteria: GeneDx Variant Classification Process June 2021. Collection method: clinical testing. Allele origin: germline. Affected: yes.
Comment: In silico analysis supports that this missense variant has a deleterious effect on protein structure/function; Not observed at significant frequency in large population cohorts (gnomAD); This variant is associated with the following publications: (PMID: 30895386)

NM_006516.4(SLC2A1):c.1177G>A (p.Glu393Lys)

Gene: SLC2A1 (solute carrier family 2 member 1; minus strand). Cytogenetic location: 1p34.2.
Variant type: single nucleotide variant.
Coding change: c.1177G>A on transcript NM_006516.4 (MANE Select); coding-DNA position 1177, G replaced by A.
Protein change: p.Glu393Lys; replaces glutamic acid 393 with lysine.
Molecular consequence: missense variant.
Genome position (GRCh38, 1-based): chr1:42,927,706, C>T on the plus strand (G>A on the coding strand, the complement: SLC2A1 is on the minus strand). VCF-style: chr1-42927706-C-T. GRCh37 (hg19) VCF-style: chr1-43393377-C-T.
Other names: short protein forms E393K.
Identifiers: ClinVar variation 2571718 (VCV002571718.1), dbSNP rs2524984571, ClinGen allele CA339953911.